The following is an entry in ClinVar:

ClinVar aggregate classification (germline): Uncertain significance (1 of 4 stars; one submission).

gnomAD v4.1: 3 of 1,602,674 alleles (0.00019%); highest among the groups gnomAD compares: Non-Finnish European, 0.00026%; no homozygotes.

Submission:

GeneDx
Classification: Uncertain significance. Last evaluated: 2024-07-03. Review status: criteria provided, single submitter. Criteria: GeneDx Variant Classification Process June 2021. Collection method: clinical testing. Allele origin: germline. Affected: yes.
Comment: Not observed at significant frequency in large population cohorts (gnomAD); In silico analysis indicates that this missense variant does not alter protein structure/function; Has not been previously published as pathogenic or benign to our knowledge

NM_018699.4(PRDM5):c.911G>A (p.Cys304Tyr)

Gene: PRDM5 (PR/SET domain 5; minus strand). Cytogenetic location: 4q27.
Variant type: single nucleotide variant.
Coding change: c.911G>A on transcript NM_018699.4 (MANE Select); coding-DNA position 911, G replaced by A.
Protein change: p.Cys304Tyr; replaces cysteine 304 with tyrosine.
Molecular consequence: missense variant.
Genome position (GRCh38, 1-based): chr4:120,811,404, C>T on the plus strand (G>A on the coding strand, the complement: PRDM5 is on the minus strand). VCF-style: chr4-120811404-C-T. GRCh37 (hg19) VCF-style: chr4-121732559-C-T.
Other names: c.818G>A, p.Cys273Tyr (NM_001300823.2, NM_001300824.2, NM_001379106.1); c.911G>A, p.Cys304Tyr (NM_001379104.1); short protein forms C273Y, C304Y.
Identifiers: ClinVar variation 3393794 (VCV003393794.1).